The following is an entry in ClinVar:

ClinVar aggregate classification (germline): Uncertain significance. Review status: criteria provided, multiple submitters, no conflicts (2 of 4 stars). 4 submissions from 4 submitters: Uncertain significance (4). Last evaluated 2026-01-04.

Conditions:
Leber congenital amaurosis 8 (LCA8). Identifiers: Orphanet 65, MedGen C3151202, MONDO:0013453, OMIM 613835.
Retinitis pigmentosa 12 (RP12). Also called: RP WITH OR WITHOUT PPRPE; RP WITH OR WITHOUT PRESERVED PARAARTERIOLE RETINAL PIGMENT EPITHELIUM; RETINITIS PIGMENTOSA WITH OR WITHOUT PARAARTERIOLAR PRESERVATION OF RETINAL PIGMENT EPITHELIUM. Identifiers: Orphanet 791, MedGen C1838647, MONDO:0010818, OMIM 600105.
CRB1-related disorder. Also called: CRB1-related condition; CRB1-related disorders.
Inborn genetic diseases. Identifiers: MedGen C0950123, MeSH D030342.

gnomAD v4.1: 12 of 1,613,882 alleles (0.00074%); highest among the groups gnomAD compares: Admixed American, 0.0083%; no homozygotes.

Submissions (4):

Labcorp Genetics (formerly Invitae), Labcorp
Classification: Uncertain significance for Leber congenital amaurosis 8; Retinitis pigmentosa 12. Last evaluated: 2026-01-04. Review status: criteria provided, single submitter. Criteria: Invitae Variant Classification Sherloc (09022015). Collection method: clinical testing. Allele origin: germline.
Comment: This sequence change replaces tyrosine, which is neutral and polar, with histidine, which is basic and polar, at codon 762 of the CRB1 protein (p.Tyr762His). This variant is present in population databases (rs747971487, gnomAD 0.01%). This variant has not been reported in the literature in individuals affected with CRB1-related conditions. ClinVar contains an entry for this variant (Variation ID: 3836216). An algorithm developed to predict the effect of missense changes on protein structure and function outputs the following: PolyPhen-2: "Benign". The histidine amino acid residue is found in multiple mammalian species, which suggests that this missense change does not adversely affect protein function. In summary, the available evidence is currently insufficient to determine the role of this variant in disease. Therefore, it has been classified as a Variant of Uncertain Significance.

PreventionGenetics, part of Exact Sciences
Classification: Uncertain significance for CRB1-related condition. Last evaluated: 2025-05-21. Review status: criteria provided, single submitter. Criteria: ACMG Guidelines, 2015. Collection method: clinical testing. Allele origin: germline.
Comment: The CRB1 c.2284T>C variant is predicted to result in the amino acid substitution p.Tyr762His. To our knowledge, this variant has not been reported in the literature. This variant is reported in 0.012% of alleles in individuals of Latino descent in gnomAD. At this time, the clinical significance of this variant is uncertain due to the absence of conclusive functional and genetic evidence.

Ambry Genetics
Classification: Uncertain significance for Inborn genetic diseases. Last evaluated: 2025-02-28. Review status: criteria provided, single submitter. Criteria: Ambry Variant Classification Scheme 2023. Collection method: clinical testing. Allele origin: germline.

Blueprint Genetics
Classification: Uncertain significance. Last evaluated: 2020-04-30. Review status: criteria provided, single submitter. Criteria: ACMG Guidelines, 2015. Collection method: clinical testing. Allele origin: germline.

NM_201253.3(CRB1):c.2284T>C (p.Tyr762His)

Gene: CRB1 (crumbs cell polarity complex component 1; plus strand). Cytogenetic location: 1q31.3.
Variant type: single nucleotide variant.
Coding change: c.2284T>C on transcript NM_201253.3 (MANE Select); coding-DNA position 2284, T replaced by C.
Protein change: p.Tyr762His; replaces tyrosine 762 with histidine.
Molecular consequence: missense variant. On other transcripts: non-coding transcript variant (2), intron variant (1).
Genome position (GRCh38, 1-based): chr1:197,427,609, T>C. VCF-style: chr1-197427609-T-C. GRCh37 (hg19) VCF-style: chr1-197396739-T-C.
Other names: c.1948T>C, p.Tyr650His (NM_001193640.2); c.2077T>C, p.Tyr693His (NM_001257965.2); c.2128+5653T>C (NM_001257966.2); short protein forms Y650H, Y693H, Y762H.
Identifiers: ClinVar variation 3836216 (VCV003836216.4).